The following is an entry in ClinVar:

NM_005245.4(FAT1):c.10027G>C (p.Val3343Leu)

Gene: FAT1 (FAT atypical cadherin 1; minus strand). Cytogenetic location: 4q35.2.
Variant type: single nucleotide variant.
Coding change: c.10027G>C on transcript NM_005245.4 (MANE Select); coding-DNA position 10027, G replaced by C.
Protein change: p.Val3343Leu; replaces valine 3343 with leucine.
Molecular consequence: missense variant.
Genome position (GRCh38, 1-based): chr4:186,609,842, C>G on the plus strand (G>C on the coding strand, the complement: FAT1 is on the minus strand). VCF-style: chr4-186609842-C-G. GRCh37 (hg19) VCF-style: chr4-187530996-C-G.
Other names: short protein forms V3343L.
Identifiers: ClinVar variation 3364606 (VCV003364606.1).

ClinVar aggregate classification (germline): Uncertain significance (1 of 4 stars; one submission).

gnomAD v4.1: 8 of 1,613,750 alleles (0.0005%); highest among the groups gnomAD compares: Middle Eastern, 0.016%; no homozygotes.

Submission:

GeneDx
Classification: Uncertain significance. Last evaluated: 2023-11-21. Review status: criteria provided, single submitter. Criteria: GeneDx Variant Classification Process June 2021. Collection method: clinical testing. Allele origin: germline. Affected: yes.
Comment: Not observed at significant frequency in large population cohorts (gnomAD); In silico analysis supports that this missense variant does not alter protein structure/function; Has not been previously published as pathogenic or benign to our knowledge